The following is an entry in ClinVar:

ClinVar aggregate classification (germline): Pathogenic (1 of 4 stars; one submission).

Conditions:
Neuroocular syndrome. Identifiers: MedGen C5551362, MONDO:0859193.

Submission:

New York Genome Center
Classification: Pathogenic for Neuroocular syndrome 1. Last evaluated: 2021-08-20. Review status: criteria provided, single submitter. Criteria: NYGC Assertion Criteria 2020. Collection method: clinical testing. Allele origin: de novo. Affected: yes. Observed: 1 heterozygote. Study: CSER-NYCKidSeq.
Comment: A de novo heterozygous 16 nucleotide duplication in exon 4 (of 14) of the PRR12 gene was identified which has not been reported in affected individuals in the literature. This duplication [c.2680_2695dup (p.Val899AlafsTer43)] alters the wild-type translational reading frame and is predicted to cause loss of normal protein function either through protein truncation or nonsense-mediated mRNA decay. The variant is absent from gnomAD(v3) database suggesting it is not a common benign variant in the populations represented in that database. Based on the available evidence, the de novo heterozygous c.2680_2695dup(p.Val899AlafsTer43) variant identified in the PRR12 gene is reported as Pathogenic.

NM_020719.3(PRR12):c.2680_2695dup (p.Val899fs)

Gene: PRR12 (proline rich 12; plus strand). Cytogenetic location: 19q13.33.
Variant type: Duplication.
Coding change: c.2680_2695dup on transcript NM_020719.3 (MANE Select); coding-DNA positions 2680 to 2695, 16 bases duplicated (CCTGGGGATACTGGCG).
Protein change: p.Val899fs; shifts the reading frame from valine 899.
Molecular consequence: frameshift variant.
Genome position (GRCh38, 1-based): chr19:49,597,015-49,597,030, CCTGGGGATACTGGCG duplicated; duplicating any 16 consecutive bases within chr19:49,597,011-49,597,030 gives the same sequence; the c. name uses the placement nearest the transcript's 3' end. VCF-style (leftmost placement, unchanged base first): chr19-49597010-C-CGGCGCCTGGGGATACT. GRCh37 (hg19) VCF-style: chr19-50100267-C-CGGCGCCTGGGGATACT.
Other names: short protein forms V899fs.
Identifiers: ClinVar variation 1701759 (VCV001701759.1), dbSNP rs2122298859, ClinGen allele CA2580097566.